The following is an entry in ClinVar:

NM_001005242.3(PKP2):c.1379-2119C>A

Gene: PKP2 (plakophilin 2; minus strand). Cytogenetic location: 12p11.21.
Variant type: single nucleotide variant.
Coding change: c.1379-2119C>A on transcript NM_001005242.3 (MANE Select); 2119 bases into the intron before coding-DNA position 1379, C replaced by A.
Molecular consequence: intron variant.
Genome position (GRCh38, 1-based): chr12:32,843,324, G>T on the plus strand (C>A on the coding strand, the complement: PKP2 is on the minus strand). VCF-style: chr12-32843324-G-T. GRCh37 (hg19) VCF-style: chr12-32996258-G-T.
Other names: c.1379-11C>A (NM_004572.4).
Identifiers: ClinVar variation 921428 (VCV000921428.5), dbSNP rs371719724, ClinGen allele CA235250629.

ClinVar aggregate classification (germline): Likely benign. Review status: criteria provided, multiple submitters, no conflicts (2 of 4 stars). 3 submissions from 3 submitters: Likely benign (3). Last evaluated 2024-08-08.

Conditions:
Arrhythmogenic right ventricular cardiomyopathy (ARVD). Also called: Arrhythmogenic cardiomyopathy; Cardiomyopathy, ARVC; Arrhythmogenic right ventricular dysplasia; Arrhythmogenic Right Ventricular Cardiomyopathy (ARVC). Identifiers: Orphanet 247, MedGen C0349788, MeSH D019571, MONDO:0016587. Disease mechanism: loss of function. Inheritance: Various modes of inheritance.
Cardiomyopathy (CMYO). Also called: Cardiomyopathies. Identifiers: Orphanet 167848, MedGen C0878544, MONDO:0004994, HP:0001638. Inheritance: Various modes of inheritance.
Arrhythmogenic right ventricular dysplasia 9 (ARVD9). Also called: Arrhythmogenic Right Ventricular Dysplasia/Cardiomyopathy 9; ARRHYTHMOGENIC RIGHT VENTRICULAR DYSPLASIA, FAMILIAL, 9. Identifiers: MedGen C1836906, MONDO:0012180, OMIM 609040.

Allele frequency attached by ClinVar (database versions not stated): gnomAD exomes below 0.00001; TOPMed 0.00002; ESP Exome Variant Server 0.00008.
gnomAD v4.1: 6 of 1,365,062 alleles (0.00044%); highest among the groups gnomAD compares: African/African-American, 0.0015%; no homozygotes.

Submissions (3):

Labcorp Genetics (formerly Invitae), Labcorp
Classification: Likely benign for Arrhythmogenic right ventricular dysplasia 9. Last evaluated: 2024-08-08. Review status: criteria provided, single submitter. Criteria: Invitae Variant Classification Sherloc (09022015). Collection method: clinical testing. Allele origin: germline.

All of Us Research Program, National Institutes of Health
Classification: Likely benign for Arrhythmogenic right ventricular cardiomyopathy. Last evaluated: 2024-06-17. Review status: criteria provided, single submitter. Criteria: ACMG Guidelines, 2015. Collection method: clinical testing. Allele origin: germline. Inheritance: Autosomal dominant inheritance. Observed: 1 variant allele, 1 heterozygote.
Comment: This study involves interpretation of variants in research participants for the purpose of population health screening. Participant phenotype was not available at the time of variant classification. Additional details can be found in publication PMID: 35346344, PMCID: PMC8962531

Color Diagnostics, LLC DBA Color Health
Classification: Likely benign for Cardiomyopathy. Last evaluated: 2019-04-20. Review status: criteria provided, single submitter. Criteria: ACMG Guidelines, 2015. Collection method: clinical testing. Allele origin: germline.